The following is an entry in ClinVar:

ClinVar aggregate classification (germline): Conflicting classifications of pathogenicity. Review status: criteria provided, conflicting classifications (1 of 4 stars). 5 submissions from 5 submitters: Uncertain significance (3); Likely benign (2). Last evaluated 2026-07-06.

Conditions:
Hereditary cancer-predisposing syndrome. Also called: Hereditary Cancer Syndrome; Hereditary neoplastic syndrome; Neoplastic Syndromes, Hereditary; Tumor predisposition. Identifiers: Orphanet 140162, MedGen C0027672, MeSH D009386, MONDO:0015356.
Intellectual disability, autosomal dominant 16 (CSS4). Also called: COFFIN-SIRIS SYNDROME 4. Identifiers: Orphanet 1465, MedGen C3553249, MONDO:0013821, OMIM 614609.
Rhabdoid tumor predisposition syndrome 2 (RTPS2). Identifiers: Orphanet 231108, Orphanet 69077, MedGen C2750074, MONDO:0013224, OMIM 613325.

Allele frequency attached by ClinVar (database versions not stated): gnomAD exomes 0.00001 and 0.00002; ExAC 0.00001.
gnomAD v4.1: 7 of 1,566,638 alleles (0.00045%); highest among the groups gnomAD compares: Admixed American, 0.0017%; no homozygotes.

Submissions (5):

Myriad Genetics, Inc.
Classification: Likely benign for Rhabdoid tumor predisposition syndrome 2. Last evaluated: 2026-07-06. Review status: criteria provided, single submitter. Criteria: Myriad Autosomal Dominant, Autosomal Recessive and X-Linked Classification Criteria (2023). Collection method: clinical testing. Allele origin: unknown.
Comment: This variant is considered likely benign. This variant has been observed at a population frequency that is significantly greater than expected given the associated disease prevalence and penetrance.

Quest Diagnostics Nichols Institute San Juan Capistrano
Classification: Uncertain significance. Last evaluated: 2025-07-14. Review status: criteria provided, single submitter. Criteria: Quest Diagnostics criteria. Collection method: clinical testing. Allele origin: unknown.
Comment: The SMARCA4 c.940G>A (p.Ala314Thr) variant has been reported in the published literature in an individual with melanoma (PMID: 33144586 (2020)). The frequency of this variant in the general population (Genome Aggregation Database) is uninformative in the assessment of its pathogenicity. Analysis of this variant using bioinformatics tools for the prediction of the effect of amino acid changes on protein structure and function yielded conflicting predictions that this variant is benign or damaging. Based on the available information, we are unable to determine the clinical significance of this variant.

Labcorp Genetics (formerly Invitae), Labcorp
Classification: Uncertain significance for Rhabdoid tumor predisposition syndrome 2. Last evaluated: 2025-06-04. Review status: criteria provided, single submitter. Criteria: Invitae Variant Classification Sherloc (09022015). Collection method: clinical testing. Allele origin: germline.
Comment: This sequence change replaces alanine, which is neutral and non-polar, with threonine, which is neutral and polar, at codon 314 of the SMARCA4 protein (p.Ala314Thr). This variant is present in population databases (rs764188556, gnomAD 0.003%). This variant has not been reported in the literature in individuals affected with SMARCA4-related conditions. ClinVar contains an entry for this variant (Variation ID: 581136). Invitae Evidence Modeling of protein sequence and biophysical properties (such as structural, functional, and spatial information, amino acid conservation, physicochemical variation, residue mobility, and thermodynamic stability) indicates that this missense variant is not expected to disrupt SMARCA4 protein function with a negative predictive value of 95%. In summary, the available evidence is currently insufficient to determine the role of this variant in disease. Therefore, it has been classified as a Variant of Uncertain Significance.

Genome-Nilou Lab
Classification: Uncertain significance for Intellectual disability, autosomal dominant 16. Last evaluated: 2021-07-15. Review status: criteria provided, single submitter. Criteria: ACMG Guidelines, 2015. Collection method: clinical testing. Allele origin: germline. Affected: no.

Ambry Genetics
Classification: Likely benign for Hereditary cancer-predisposing syndrome. Last evaluated: 2021-01-07. Review status: criteria provided, single submitter. Criteria: Ambry Variant Classification Scheme 2023. Collection method: clinical testing. Allele origin: germline.

Literature cited by the submitters: PubMed 33144586 (cited by Quest Diagnostics Nichols Institute San Juan Capistrano).

NM_003072.5(SMARCA4):c.940G>A (p.Ala314Thr)

Gene: SMARCA4 (SWI/SNF related BAF chromatin remodeling complex subunit ATPase 4; plus strand). Cytogenetic location: 19p13.2.
Variant type: single nucleotide variant.
Coding change: c.940G>A on transcript NM_003072.5 (MANE Select); coding-DNA position 940, G replaced by A.
Protein change: p.Ala314Thr; replaces alanine 314 with threonine.
Molecular consequence: missense variant. On other transcripts: non-coding transcript variant (1).
Genome position (GRCh38, 1-based): chr19:10,987,746, G>A. VCF-style: chr19-10987746-G-A. GRCh37 (hg19) VCF-style: chr19-11098422-G-A.
Other names: c.940G>A, p.Ala314Thr (NM_001128844.3, NM_001128845.2, NM_001128846.2 and 5 more transcripts); short protein forms A314T.
Identifiers: ClinVar variation 581136 (VCV000581136.17), dbSNP rs764188556, ClinGen allele CA9203637.